The following is an entry in ClinVar:

ClinVar aggregate classification (germline): Uncertain significance. Review status: criteria provided, multiple submitters, no conflicts (2 of 4 stars). 3 submissions from 3 submitters: Uncertain significance (3). Last evaluated 2025-01-08.

Conditions:
Progressive myoclonic epilepsy. Also called: Familial progressive myoclonic epilepsy; Myoclonic Epilepsies, Progressive; Myoclonus epilepsy; Progressive myoclonus epilepsy. Identifiers: Orphanet 308, Orphanet 98261, MedGen C0751778, MONDO:0020074.
Lafora disease. Also called: Epilepsy progressive myoclonic 2; Progressive Myoclonus Epilepsy, Lafora Type. Identifiers: Orphanet 501, MedGen C0751783, MONDO:0009697.
Inborn genetic diseases. Identifiers: MedGen C0950123, MeSH D030342.

Allele frequency attached by ClinVar (database versions not stated): gnomAD exomes 0.00001.
gnomAD v4.1: 8 of 1,252,632 alleles (0.00064%); highest among the groups gnomAD compares: South Asian, 0.0026%; no homozygotes.

Submissions (3):

Broad Center for Mendelian Genomics, Broad Institute of MIT and Harvard
Classification: Uncertain significance for Lafora disease. Last evaluated: 2025-01-08. Review status: criteria provided, single submitter. Criteria: ACMG Guidelines, 2015. Collection method: curation. Allele origin: germline. Inheritance: Autosomal recessive inheritance.
Comment: The p.Glu28Lys variant in EPM2A has been reported in 2 individuals with Lafora disease (PMID: 34755096, 10932264), and has been identified in 0.003% (1/33244) of South Asian chromosomes by the Genome Aggregation Database (gnomAD; dbSNP rs1776816199). Although this variant has been seen in the general population in a heterozygous state, its frequency is low enough to be consistent with a recessive carrier frequency. This variant has also been reported in ClinVar (Variation ID: 942675) and has been interpreted as a variant of uncertain significance by Ambry Genetics and Invitae. In vitro functional studies have conflicting evidence on the effect of the p.Glu28Lys variant (PMID: 34755096, 14706656, 12019207). However, these types of evidence may not accurately represent biological function. Computational prediction tools and conservation analyses suggest that this variant may impact the protein, though this information is not predictive enough to determine pathogenicity. In summary, the clinical significance of the p.Glu28Lys variant is uncertain. ACMG/AMP Criteria applied: PP3, PM2_supporting (Richards 2015).

Labcorp Genetics (formerly Invitae), Labcorp
Classification: Uncertain significance for Progressive myoclonic epilepsy. Last evaluated: 2022-02-05. Review status: criteria provided, single submitter. Criteria: Invitae Variant Classification Sherloc (09022015). Collection method: clinical testing. Allele origin: germline.
Comment: In summary, the available evidence is currently insufficient to determine the role of this variant in disease. Therefore, it has been classified as a Variant of Uncertain Significance. Experimental studies have shown that this missense change does not substantially affect EPM2A function (PMID: 12019207, 14706656). Algorithms developed to predict the effect of missense changes on protein structure and function are either unavailable or do not agree on the potential impact of this missense change (SIFT: "Deleterious"; PolyPhen-2: "Probably Damaging"; Align-GVGD: "Class C0"). ClinVar contains an entry for this variant (Variation ID: 942675). This missense change has been observed in individual(s) with Lafora disease (PMID: 10932264). In at least one individual the data is consistent with being in trans (on the opposite chromosome) from a pathogenic variant. This variant is not present in population databases (gnomAD no frequency). This sequence change replaces glutamic acid, which is acidic and polar, with lysine, which is basic and polar, at codon 28 of the EPM2A protein (p.Glu28Lys).

Ambry Genetics
Classification: Uncertain significance for Inborn genetic diseases. Last evaluated: 2018-10-10. Review status: criteria provided, single submitter. Criteria: Ambry Variant Classification Scheme 2023. Collection method: clinical testing. Allele origin: germline.
Comment: The p.E28K variant (also known as c.82G>A), located in coding exon 1 of the EPM2A gene, results from a G to A substitution at nucleotide position 82. The glutamic acid at codon 28 is replaced by lysine, an amino acid with similar properties. This variant was identified in one individual with Lafora disease in conjunction with a second EPM2A alteration; however, the phase was not provided (Minassian BA et al. Neurology, 2000 Aug;55:341-6). In COS7 cells, this variant demonstrated similar subcellular localization as compared to wild type (Sengupta S et al. J. Cell. Sci., 2011 Jul;124:2277-86). This amino acid position is highly conserved in available vertebrate species. In addition, this alteration is predicted to be deleterious by in silico analysis. Based on available evidence to date, the clinical significance of this alteration remains unclear.

Literature cited by the submitters: PubMed 12019207 (cited by Labcorp Genetics (formerly Invitae), Labcorp and Ambry Genetics); PubMed 14706656 (cited by Labcorp Genetics (formerly Invitae), Labcorp and Ambry Genetics); PubMed 10932264 (cited by Labcorp Genetics (formerly Invitae), Labcorp and Ambry Genetics); PubMed 21652633 (cited by Ambry Genetics).

NM_005670.4(EPM2A):c.82G>A (p.Glu28Lys)

Genes: EPM2A (EPM2A glucan phosphatase, laforin; minus strand), EPM2A-DT (EPM2A divergent transcript; plus strand), LOC129997381 (ATAC-STARR-seq lymphoblastoid silent region 17642; plus strand). Cytogenetic location: 6q24.3.
Variant type: single nucleotide variant.
Coding change: c.82G>A on transcript NM_005670.4 (MANE Select); coding-DNA position 82, G replaced by A.
Protein change: p.Glu28Lys; replaces glutamic acid 28 with lysine.
Molecular consequence: missense variant. On other transcripts: 5 prime UTR variant (3), intron variant (1).
Genome position (GRCh38, 1-based): chr6:145,735,417, C>T on the plus strand (G>A on the coding strand, the complement: EPM2A is on the minus strand). VCF-style: chr6-145735417-C-T. GRCh37 (hg19) VCF-style: chr6-146056553-C-T.
Other names: NM_005670.4(EPM2A):c.82G>A; p.Glu28Lys; c.82G>A, p.Glu28Lys (NM_001018041.2, NM_001360057.2, NM_001368130.1); c.-588G>A (NM_001360071.2); c.-542G>A (NM_001368129.2); c.-286G>A (NM_001368131.1); c.-114+491G>A (NM_001360064.2); short protein forms E28K.
Identifiers: ClinVar variation 942675 (VCV000942675.13), dbSNP rs1776816199, ClinGen allele CA366188465.